The following is an entry in ClinVar:

NM_000089.4(COL1A2):c.2885C>T (p.Ala962Val)

Gene: COL1A2 (collagen type I alpha 2 chain; plus strand). Cytogenetic location: 7q21.3.
Variant type: single nucleotide variant.
Coding change: c.2885C>T on transcript NM_000089.4 (MANE Select); coding-DNA position 2885, C replaced by T.
Protein change: p.Ala962Val; replaces alanine 962 with valine.
Molecular consequence: missense variant.
Genome position (GRCh38, 1-based): chr7:94,425,799, C>T. VCF-style: chr7-94425799-C-T. GRCh37 (hg19) VCF-style: chr7-94055111-C-T.
Other names: short protein forms A962V.
Identifiers: ClinVar variation 4790355 (VCV004790355.1).
Genomic context (GRCh38, chr7:94,425,799, plus strand): 5'-GCCTTTGGTAGGGAGAGCGCGGTTACCCTGGCAATATTGGTCCCGTTGGTGCTGCAGGTG[C>T]ACCTGGTCCTCATGGCCCCGTGGGTCCTGCTGGCAAACATGGAAACCGTGGTGAAACTGT-3'
Protein context (NP_000080.2, residues 952-972): GNIGPVGAAG[Ala962Val]PGPHGPVGPA

ClinVar aggregate classification (germline): Uncertain significance (1 of 4 stars; one submission).

Conditions:
Ehlers-Danlos syndrome, classic type, 1 (EDSCL1). Also called: EHLERS-DANLOS SYNDROME, GRAVIS TYPE; EHLERS-DANLOS SYNDROME, SEVERE CLASSIC TYPE; Ehlers-Danlos syndrome, type 1; Ehlers-Danlos Syndrome, Classic Type, COL5A1-Related; EDS I. Identifiers: MedGen C0268335, MONDO:0019567, OMIM 130000.
Osteogenesis imperfecta type I (OI1). Also called: OI, TYPE I; OSTEOGENESIS IMPERFECTA TARDA; OSTEOGENESIS IMPERFECTA WITH BLUE SCLERAE; Osteogenesis imperfecta type 1; Lobstein's Disease; Lobstein disease. Identifiers: Orphanet 216796, Orphanet 666, MedGen C0023931, MONDO:0008146, OMIM 166200. Disease mechanism: loss of function.

Submission:

Labcorp Genetics (formerly Invitae), Labcorp
Classification: Uncertain significance for Osteogenesis imperfecta type I; Ehlers-Danlos syndrome, classic type, 1. Last evaluated: 2025-10-24. Review status: criteria provided, single submitter. Criteria: Invitae Variant Classification Sherloc (09022015). Collection method: clinical testing. Allele origin: germline.
Comment: This sequence change replaces alanine, which is neutral and non-polar, with valine, which is neutral and non-polar, at codon 962 of the COL1A2 protein (p.Ala962Val). This variant is not present in population databases (gnomAD no frequency). This variant has not been reported in the literature in individuals affected with COL1A2-related conditions. Invitae Evidence Modeling of protein sequence and biophysical properties (such as structural, functional, and spatial information, amino acid conservation, physicochemical variation, residue mobility, and thermodynamic stability) indicates that this missense variant is not expected to disrupt COL1A2 protein function with a negative predictive value of 80%. In summary, the available evidence is currently insufficient to determine the role of this variant in disease. Therefore, it has been classified as a Variant of Uncertain Significance.